The following is an entry in ClinVar:

ClinVar aggregate classification (germline): Benign/Likely benign. Review status: criteria provided, multiple submitters, no conflicts (2 of 4 stars). 4 submissions from 4 submitters: Benign (3); Likely benign (1). Last evaluated 2025-04-07.

Conditions:
Emery-Dreifuss muscular dystrophy 5, autosomal dominant (EDMD5). Also called: EMERY-DREIFUSS MUSCULAR DYSTROPHY 5. Identifiers: Orphanet 261, MedGen C2751805, MONDO:0013072, OMIM 612999.

Allele frequency attached by ClinVar (database versions not stated): ESP Exome Variant Server 0.00031; gnomAD 0.00036 and 0.00042; TOPMed 0.00042; 1000 Genomes Project 30x 0.00047; 1000 Genomes Project 0.00060.
gnomAD v4.1: 430 of 1,614,210 alleles (0.027%); highest among the groups gnomAD compares: East Asian, 0.74%; 4 homozygotes.

Submissions (4):

Labcorp Genetics (formerly Invitae), Labcorp
Classification: Benign for Emery-Dreifuss muscular dystrophy 5, autosomal dominant. Last evaluated: 2025-04-07. Review status: criteria provided, single submitter. Criteria: Invitae Variant Classification Sherloc (09022015). Collection method: clinical testing. Allele origin: germline.

Blueprint Genetics
Classification: Likely benign. Last evaluated: 2024-08-15. Review status: criteria provided, single submitter. Criteria: ACMG Guidelines, 2015. Collection method: clinical testing. Allele origin: germline.

CeGaT Center for Human Genetics Tuebingen
Classification: Benign. Last evaluated: 2022-07-01. Review status: criteria provided, single submitter. Criteria: CeGaT Center For Human Genetics Tuebingen Variant Classification Criteria Version 2. Collection method: clinical testing. Allele origin: germline. Affected: yes. Observed: 1 variant allele.
Comment: SYNE2: BS1, BS2

Illumina Laboratory Services, Illumina
Classification: Benign for Emery-Dreifuss muscular dystrophy 5, autosomal dominant. Last evaluated: 2018-01-13. Review status: criteria provided, single submitter. Criteria: ICSL Variant Classification Criteria 13 December 2019. Collection method: clinical testing. Allele origin: germline.
Comment: This variant was observed in the ICSL laboratory as part of a predisposition screen in an ostensibly healthy population. It had not been previously curated by ICSL or reported in the Human Gene Mutation Database (HGMD: prior to June 1st, 2018), and was therefore a candidate for classification through an automated scoring system. Utilizing variant allele frequency, disease prevalence and penetrance estimates, and inheritance mode, an automated score was calculated to assess if this variant is too frequent to cause the disease. Based on the score and internal cut-off values, a variant classified as benign is not then subjected to further curation. The score for this variant resulted in a classification of benign for this disease.

NM_182914.3(SYNE2):c.16419C>T (p.His5473=)

Gene: SYNE2 (spectrin repeat containing nuclear envelope protein 2; plus strand). Cytogenetic location: 14q23.2.
Variant type: single nucleotide variant.
Coding change: c.16419C>T on transcript NM_182914.3 (MANE Select); coding-DNA position 16419, C replaced by T.
Protein change: p.His5473=; no amino-acid change (histidine 5473 retained).
Molecular consequence: synonymous variant.
Genome position (GRCh38, 1-based): chr14:64,163,521, C>T. VCF-style: chr14-64163521-C-T. GRCh37 (hg19) VCF-style: chr14-64630239-C-T.
Other names: c.16419C>T, p.His5473= (NM_015180.6).
Identifiers: ClinVar variation 313622 (VCV000313622.42), dbSNP rs138209076, ClinGen allele CA7223372.